The following is an entry in ClinVar:

ClinVar aggregate classification (germline): Conflicting classifications of pathogenicity. Review status: criteria provided, conflicting classifications (1 of 4 stars). 2 submissions from 2 submitters: Likely pathogenic (1); Uncertain significance (1). Last evaluated 2025-07-13.

Conditions:
Pheochromocytoma. Also called: MAX-Related Hereditary Paraganglioma-Pheochromocytoma Syndrome. Identifiers: Orphanet 29072, MedGen C0031511, MONDO:0008233, OMIM 171300, HP:0002666.
Nonpapillary renal cell carcinoma. Identifiers: Orphanet 422526, MedGen CN074294, MONDO:0007763, OMIM 144700.
Chuvash polycythemia. Also called: POLYCYTHEMIA, VHL-DEPENDENT. Identifiers: Orphanet 238557, MedGen C1837915, MONDO:0009892, OMIM 263400.
Von Hippel-Lindau syndrome (VHLS). Also called: Von Hippel-Lindau; von Hippel–Lindau syndrome; VHL syndrome. Identifiers: Orphanet 892, MedGen C0019562, MONDO:0008667, OMIM 193300. Disease mechanism: loss of function.

Submissions (2):

Labcorp Genetics (formerly Invitae), Labcorp
Classification: Likely pathogenic for Von Hippel-Lindau syndrome; Chuvash polycythemia. Last evaluated: 2025-07-13. Review status: criteria provided, single submitter. Criteria: Invitae Variant Classification Sherloc (09022015). Collection method: clinical testing. Allele origin: germline.
Comment: This sequence change replaces glycine, which is neutral and non-polar, with arginine, which is basic and polar, at codon 104 of the VHL protein (p.Gly104Arg). This variant is not present in population databases (gnomAD no frequency). This variant has not been reported in the literature in individuals affected with VHL-related conditions. ClinVar contains an entry for this variant (Variation ID: 3588242). Invitae Evidence Modeling of protein sequence and biophysical properties (such as structural, functional, and spatial information, amino acid conservation, physicochemical variation, residue mobility, and thermodynamic stability) indicates that this missense variant is expected to disrupt VHL protein function with a positive predictive value of 95%. This variant disrupts the p.Gly104 amino acid residue in VHL. Other variant(s) that disrupt this residue have been determined to be pathogenic (PMID: 18584357, 29789510). This suggests that this residue is clinically significant, and that variants that disrupt this residue are likely to be disease-causing. In summary, the currently available evidence indicates that the variant is pathogenic, but additional data are needed to prove that conclusively. Therefore, this variant has been classified as Likely Pathogenic.

Fulgent Genetics
Classification: Uncertain significance for Nonpapillary renal cell carcinoma; Pheochromocytoma; Von Hippel-Lindau syndrome; Chuvash polycythemia. Last evaluated: 2024-06-08. Review status: criteria provided, single submitter. Criteria: ACMG Guidelines, 2015. Collection method: clinical testing. Allele origin: germline.

Literature cited by the submitters: PubMed 18584357 (cited by Labcorp Genetics (formerly Invitae), Labcorp); PubMed 29789510 (cited by Labcorp Genetics (formerly Invitae), Labcorp).

NM_000551.4(VHL):c.310G>C (p.Gly104Arg)

Gene: VHL (von Hippel-Lindau tumor suppressor; plus strand). Cytogenetic location: 3p25.3.
Variant type: single nucleotide variant.
Coding change: c.310G>C on transcript NM_000551.4 (MANE Select); coding-DNA position 310, G replaced by C.
Protein change: p.Gly104Arg; replaces glycine 104 with arginine.
Molecular consequence: missense variant. On other transcripts: non-coding transcript variant (1).
Genome position (GRCh38, 1-based): chr3:10,142,157, G>C. VCF-style: chr3-10142157-G-C. GRCh37 (hg19) VCF-style: chr3-10183841-G-C.
Other names: c.310G>C, p.Gly104Arg (NM_001354723.2, NM_198156.3); short protein forms G104R.
Identifiers: ClinVar variation 3588242 (VCV003588242.2).